The following is an entry in ClinVar:

NC_000023.10:g.(?_46618120)_(46739204_?)del

Genes: RP2 (RP2 activator of ARL3 GTPase; plus strand), SLC9A7 (solute carrier family 9 member A7; minus strand). Cytogenetic location: Xp11.23.
Variant type: Deletion.
Identifiers: ClinVar variation 3246696 (VCV003246696.1).

ClinVar aggregate classification (germline): Pathogenic (1 of 4 stars; one submission).

Submission:

Labcorp Genetics (formerly Invitae), Labcorp
Classification: Pathogenic. Last evaluated: 2023-07-25. Review status: criteria provided, single submitter. Criteria: Invitae Variant Classification Sherloc (09022015). Collection method: clinical testing. Allele origin: unknown.
Comment: A gross deletion of the genomic region encompassing the full coding sequence of the RP2 gene has been identified. Loss-of-function variants in RP2 are known to be pathogenic (PMID: 11992260, 20625056). The boundaries of this event are unknown as they extend beyond the assayed region for this gene and therefore may encompass additional genes. A similar copy number variant has been observed in individual(s) with clinical features of retinitis pigmentosa (PMID: 16969763). For these reasons, this variant has been classified as Pathogenic.

Literature cited by the submitters: PubMed 11992260; PubMed 20625056; PubMed 16969763.